The following is an entry in ClinVar:

NM_001111.5(ADAR):c.2015C>T (p.Ala672Val)

Gene: ADAR (adenosine deaminase RNA specific; minus strand). Cytogenetic location: 1q21.3.
Variant type: single nucleotide variant.
Coding change: c.2015C>T on transcript NM_001111.5 (MANE Select); coding-DNA position 2015, C replaced by T.
Protein change: p.Ala672Val; replaces alanine 672 with valine.
Molecular consequence: missense variant.
Genome position (GRCh38, 1-based): chr1:154,597,187, G>A on the plus strand (C>T on the coding strand, the complement: ADAR is on the minus strand). VCF-style: chr1-154597187-G-A. GRCh37 (hg19) VCF-style: chr1-154569663-G-A.
Other names: c.1130C>T, p.Ala377Val (NM_001025107.3, NM_001193495.2, NM_001365046.1 and 3 more transcripts); c.2042C>T, p.Ala681Val (NM_001365045.1); c.2015C>T, p.Ala672Val (NM_015840.4, NM_015841.4); short protein forms A377V, A672V, A681V.
Identifiers: ClinVar variation 3765752 (VCV003765752.1).

ClinVar aggregate classification (germline): Uncertain significance (1 of 4 stars; one submission).

Submission:

Greenwood Genetic Center Diagnostic Laboratories, Greenwood Genetic Center
Classification: Uncertain significance. Last evaluated: 2024-11-07. Review status: criteria provided, single submitter. Criteria: ACMG Guidelines, 2015. Collection method: clinical testing. Allele origin: germline. Affected: yes.
Comment: PM2, PP2, PP3